The following is an entry in ClinVar:

NM_004304.5(ALK):c.266G>C (p.Gly89Ala)

Gene: ALK (ALK receptor tyrosine kinase; minus strand). Cytogenetic location: 2p23.1.
Variant type: single nucleotide variant.
Coding change: c.266G>C on transcript NM_004304.5 (MANE Select); coding-DNA position 266, G replaced by C.
Protein change: p.Gly89Ala; replaces glycine 89 with alanine.
Molecular consequence: missense variant.
Genome position (GRCh38, 1-based): chr2:29,920,394, C>G on the plus strand (G>C on the coding strand, the complement: ALK is on the minus strand). VCF-style: chr2-29920394-C-G. GRCh37 (hg19) VCF-style: chr2-30143260-C-G.
Other names: short protein forms G89A.
Identifiers: ClinVar variation 570899 (VCV000570899.12), dbSNP rs1558549988, ClinGen allele CA346590369.
Genomic context (GRCh38, chr2:29,920,394, plus strand): 5'-GAGACCCCCGGCGCCGGCCCCAGCAACCTGAGCAGCGGGGCGCAGTCCAGAGCTAGCGAG[C>G]CGCGGGCCTCGGGCCTGCCAGCCTTCAGCTCCGAGGAGGATGGTGGCAGCAGTAGGTCCC-3'
Protein context (NP_004295.2, residues 79-99): ELKAGRPEAR[Gly89Ala]SLALDCAPLL

ClinVar aggregate classification (germline): Uncertain significance. Review status: criteria provided, multiple submitters, no conflicts (2 of 4 stars). 2 submissions from 2 submitters: Uncertain significance (2). Last evaluated 2025-10-22.

Conditions:
Hereditary cancer-predisposing syndrome. Also called: Hereditary neoplastic syndrome; Neoplastic Syndromes, Hereditary; Hereditary Cancer Syndrome; Tumor predisposition. Identifiers: Orphanet 140162, MedGen C0027672, MeSH D009386, MONDO:0015356.
Neuroblastoma, susceptibility to, 3. Also called: ALK-Related Neuroblastic Tumor Susceptibility. Identifiers: Orphanet 635, MedGen C2751681, MONDO:0013083, OMIM 613014.

Allele frequency attached by ClinVar (database versions not stated): gnomAD exomes below 0.00001.
gnomAD v4.1: 2 of 1,570,636 alleles (0.00013%); highest among the groups gnomAD compares: Admixed American, 0.0019%; no homozygotes.

Submissions (2):

Ambry Genetics
Classification: Uncertain significance for Hereditary cancer-predisposing syndrome. Last evaluated: 2025-10-22. Review status: criteria provided, single submitter. Criteria: Ambry Variant Classification Scheme 2023. Collection method: clinical testing. Allele origin: germline.
Comment: The p.G89A variant (also known as c.266G>C), located in coding exon 1 of the ALK gene, results from a G to C substitution at nucleotide position 266. The glycine at codon 89 is replaced by alanine, an amino acid with similar properties. This amino acid position is conserved. In addition, this alteration is predicted to be tolerated by in silico analysis. Since supporting evidence is limited at this time, the clinical significance of this alteration remains unclear.

Labcorp Genetics (formerly Invitae), Labcorp
Classification: Uncertain significance for Neuroblastoma, susceptibility to, 3. Last evaluated: 2025-09-10. Review status: criteria provided, single submitter. Criteria: Invitae Variant Classification Sherloc (09022015). Collection method: clinical testing. Allele origin: germline.
Comment: This sequence change replaces glycine, which is neutral and non-polar, with alanine, which is neutral and non-polar, at codon 89 of the ALK protein (p.Gly89Ala). This variant is not present in population databases (gnomAD no frequency). This variant has not been reported in the literature in individuals affected with ALK-related conditions. ClinVar contains an entry for this variant (Variation ID: 570899). An algorithm developed to predict the effect of missense changes on protein structure and function (PolyPhen-2) suggests that this variant is likely to be tolerated. In summary, the available evidence is currently insufficient to determine the role of this variant in disease. Therefore, it has been classified as a Variant of Uncertain Significance.